The following is an entry in ClinVar:

ClinVar aggregate classification (germline): Uncertain significance. Review status: criteria provided, multiple submitters, no conflicts (2 of 4 stars). 3 submissions from 3 submitters: Uncertain significance (2). 1 of the submissions does not count toward it. Last evaluated 2023-08-16.

Conditions:
Autism spectrum disorder - epilepsy - arthrogryposis syndrome (AMRS). Identifiers: Orphanet 370943, MedGen C3809910, MONDO:0014248, OMIM 615553.

Allele frequency attached by ClinVar (database versions not stated): gnomAD 0.00001; gnomAD exomes 0.00001; TOPMed 0.00003.
gnomAD v4.1: 19 of 1,613,702 alleles (0.0012%); highest among the groups gnomAD compares: Admixed American, 0.005%; no homozygotes.

Submissions (3):

Revvity Omics, Revvity
Classification: Uncertain significance for Autism spectrum disorder - epilepsy - arthrogryposis syndrome. Last evaluated: 2023-08-16. Review status: criteria provided, single submitter. Criteria: ACMG Guidelines, 2015. Collection method: clinical testing. Allele origin: germline.

Women's Health and Genetics/Laboratory Corporation of America, LabCorp
Classification: Uncertain significance. Last evaluated: 2023-08-02. Review status: criteria provided, single submitter. Criteria: LabCorp Variant Classification Summary - May 2015. Collection method: clinical testing. Allele origin: germline.
Comment: Variant summary: SLC35A3 c.73C>T (p.Arg25Cys) results in a non-conservative amino acid change in the encoded protein sequence. Four of five in-silico tools predict a damaging effect of the variant on protein function. The variant allele was found at a frequency of 2e-05 in 251266 control chromosomes (gnomAD). The available data on variant occurrences in the general population are insufficient to allow any conclusion about variant significance. c.73C>T has been reported in the literature in individuals affected with early onset epileptic encephalopathy and arthrogryposis (example: Marini_2017). This report does not provide unequivocal conclusions about association of the variant with Arthrogryposis, Mental Retardation, And Seizures. To our knowledge, no experimental evidence demonstrating an impact on protein function has been reported. The following publication has been ascertained in the context of this evaluation (PMID: 28328131). OMIM classified the variant as pathogenic. Based on the evidence outlined above, the variant was classified as uncertain significance.

OMIM
Classification: Pathogenic for ARTHROGRYPOSIS, IMPAIRED INTELLECTUAL DEVELOPMENT, AND SEIZURES. Last evaluated: 2022-05-16. Review status: no assertion criteria provided. Collection method: literature only. Allele origin: germline. Not counted in ClinVar's aggregate classification.

Literature cited by the submitters: PubMed 28328131 (cited by Women's Health and Genetics/Laboratory Corporation of America, LabCorp and OMIM).

NM_012243.3(SLC35A3):c.73C>T (p.Arg25Cys)

Gene: SLC35A3 (solute carrier family 35 member A3; plus strand). Cytogenetic location: 1p21.2.
Variant type: single nucleotide variant.
Coding change: c.73C>T on transcript NM_012243.3 (MANE Select); coding-DNA position 73, C replaced by T.
Protein change: p.Arg25Cys; replaces arginine 25 with cysteine.
Molecular consequence: missense variant.
Genome position (GRCh38, 1-based): chr1:99,993,627, C>T. VCF-style: chr1-99993627-C-T. GRCh37 (hg19) VCF-style: chr1-100459183-C-T.
Other names: c.73C>T, p.Arg25Cys (NM_001271684.2); c.199C>T, p.Arg67Cys (NM_001271685.2); short protein forms R25C, R67C.
Identifiers: ClinVar variation 1686983 (VCV001686983.4), dbSNP rs753997682, ClinGen allele CA967511.